The following is an entry in ClinVar:

ClinVar aggregate classification (germline): Uncertain significance (1 of 4 stars; one submission).

Conditions:
Joubert syndrome. Also called: Familial aplasia of the vermis; JOUBERT-BOLTSHAUSER SYNDROME. Identifiers: Orphanet 475, MedGen C5979921, MONDO:0018772.
Meckel-Gruber syndrome. Also called: Dysencephalia splachnocystica; DYSENCEPHALIA SPLANCHNOCYSTICA; GRUBER SYNDROME. Identifiers: Orphanet 564, MedGen C0265215, MONDO:0018921.

Submission:

Labcorp Genetics (formerly Invitae), Labcorp
Classification: Uncertain significance for Joubert syndrome; Meckel-Gruber syndrome. Last evaluated: 2022-05-12. Review status: criteria provided, single submitter. Criteria: Invitae Variant Classification Sherloc (09022015). Collection method: clinical testing. Allele origin: germline.
Comment: This variant has not been reported in the literature in individuals affected with CC2D2A-related conditions. In summary, the available evidence is currently insufficient to determine the role of this variant in disease. Therefore, it has been classified as a Variant of Uncertain Significance. Advanced modeling of protein sequence and biophysical properties (such as structural, functional, and spatial information, amino acid conservation, physicochemical variation, residue mobility, and thermodynamic stability) performed at Invitae indicates that this missense variant is expected to disrupt CC2D2A protein function. This variant is not present in population databases (gnomAD no frequency). This sequence change replaces isoleucine, which is neutral and non-polar, with methionine, which is neutral and non-polar, at codon 1291 of the CC2D2A protein (p.Ile1291Met).

NM_001378615.1(CC2D2A):c.3873T>G (p.Ile1291Met)

Genes: CC2D2A (coiled-coil and C2 domain containing 2A; plus strand), FBXL5 (F-box and leucine rich repeat protein 5; minus strand). Cytogenetic location: 4p15.32.
Variant type: single nucleotide variant.
Coding change: c.3873T>G on transcript NM_001378615.1 (MANE Select); coding-DNA position 3873, T replaced by G.
Protein change: p.Ile1291Met; replaces isoleucine 1291 with methionine.
Molecular consequence: missense variant.
Genome position (GRCh38, 1-based): chr4:15,580,069, T>G. VCF-style: chr4-15580069-T-G. GRCh37 (hg19) VCF-style: chr4-15581692-T-G.
Other names: c.3873T>G, p.Ile1291Met (NM_001080522.2); c.3726T>G, p.Ile1242Met (NM_001378617.1); short protein forms I1291M, I1242M.
Identifiers: ClinVar variation 1993231 (VCV001993231.4), dbSNP rs200269652, ClinGen allele CA356426158.